The following is an entry in ClinVar:

ClinVar aggregate classification (germline): Uncertain significance (1 of 4 stars; one submission).

Conditions:
Hereditary sensory and autonomic neuropathy type 6. Also called: HSAN VI; Neuropathy, hereditary sensory and autonomic, type VI. Identifiers: Orphanet 314381, MedGen C3539003, MONDO:0013839, OMIM 614653.
Epidermolysis bullosa simplex 3, localized or generalized intermediate, with BP230 deficiency (EBS3). Also called: Epidermolysis bullosa simplex, autosomal recessive 2; Epidermolysis bullosa simplex due to BP230 deficiency. Identifiers: Orphanet 412181, MedGen C3809470, MONDO:0014180, OMIM 615425.

Allele frequency attached by ClinVar (database versions not stated): gnomAD exomes below 0.00001; ExAC 0.00001; gnomAD 0.00001.
gnomAD v4.1: 4 of 1,613,770 alleles (0.00025%); highest among the groups gnomAD compares: Non-Finnish European, 0.00034%; no homozygotes.

Submission:

Labcorp Genetics (formerly Invitae), Labcorp
Classification: Uncertain significance for Epidermolysis bullosa simplex 3, localized or generalized intermediate, with BP230 deficiency; Hereditary sensory and autonomic neuropathy type 6. Last evaluated: 2023-07-13. Review status: criteria provided, single submitter. Criteria: Invitae Variant Classification Sherloc (09022015). Collection method: clinical testing. Allele origin: germline.
Comment: In summary, the available evidence is currently insufficient to determine the role of this variant in disease. Therefore, it has been classified as a Variant of Uncertain Significance. An algorithm developed to predict the effect of missense changes on protein structure and function (PolyPhen-2) suggests that this variant is likely to be tolerated. This variant has not been reported in the literature in individuals affected with DST-related conditions. This variant is not present in population databases (gnomAD no frequency). This sequence change replaces lysine, which is basic and polar, with arginine, which is basic and polar, at codon 1463 of the DST protein (p.Lys1463Arg).

NM_001723.7(DST):c.4388A>G (p.Lys1463Arg)

Gene: DST (dystonin; minus strand). Cytogenetic location: 6p12.1.
Variant type: single nucleotide variant.
Coding change: c.4388A>G on transcript NM_001723.7 (MANE Plus Clinical); coding-DNA position 4388, A replaced by G.
Protein change: p.Lys1463Arg; replaces lysine 1463 with arginine.
Molecular consequence: missense variant. On other transcripts: intron variant (10).
Genome position (GRCh38, 1-based): chr6:56,619,646, T>C on the plus strand (A>G on the coding strand, the complement: DST is on the minus strand). VCF-style: chr6-56619646-T-C. GRCh37 (hg19) VCF-style: chr6-56484444-T-C.
Other names: c.4830+4884A>G (NM_001144769.5); c.4929+4884A>G (NM_001374722.1, NM_001374736.1); c.4956+4884A>G (NM_001374734.1); c.4416+4884A>G (NM_001144770.2); c.4296+4884A>G (NM_001374730.1, NM_001386100.1, NM_183380.4 and 1 more transcripts); c.3318+4884A>G (NM_015548.5); short protein forms K1463R.
Identifiers: ClinVar variation 2934247 (VCV002934247.3), dbSNP rs772810492, ClinGen allele CA3870535.